The following is an entry in ClinVar:

NM_000088.4(COL1A1):c.788G>A (p.Gly263Glu)

Genes: COL1A1 (collagen type I alpha 1 chain; minus strand), LOC126862586 (CDK7 strongly-dependent group 2 enhancer GRCh37_chr17:48273702-48274901; plus strand). Cytogenetic location: 17q21.33.
Variant type: single nucleotide variant.
Coding change: c.788G>A on transcript NM_000088.4 (MANE Select); coding-DNA position 788, G replaced by A.
Protein change: p.Gly263Glu; replaces glycine 263 with glutamic acid.
Molecular consequence: missense variant.
Genome position (GRCh38, 1-based): chr17:50,197,026, C>T on the plus strand (G>A on the coding strand, the complement: COL1A1 is on the minus strand). VCF-style: chr17-50197026-C-T. GRCh37 (hg19) VCF-style: chr17-48274387-C-T.
Other names: short protein forms G263E.
Identifiers: ClinVar variation 1368256 (VCV001368256.8), dbSNP rs72645324, ClinGen allele CA400223772.
Genomic context (GRCh38, chr17:50,197,026, plus strand): 5'-ATGCTAGGGACTTGGGGAGCTTAAATGACTCAAAGGTGACTCACTCTGTGTCCCTTCATT[C>T]CAGGGAGGCCAGCTGTTCCGGGCAATCCTCGAGCACCCTGGAGAGAGATGAAGAAGACAA-3'
Protein context (NP_000079.2, residues 253-273): RGLPGTAGLP[Gly263Glu]MKGHRGFSGL

ClinVar aggregate classification (germline): Pathogenic (1 of 4 stars; one submission).

Conditions:
Osteogenesis imperfecta type I (OI1). Also called: Lobstein's Disease; OI, TYPE I; OSTEOGENESIS IMPERFECTA TARDA; OSTEOGENESIS IMPERFECTA WITH BLUE SCLERAE; Osteogenesis imperfecta type 1; Lobstein disease. Identifiers: Orphanet 216796, Orphanet 666, MedGen C0023931, MONDO:0008146, OMIM 166200. Disease mechanism: loss of function.

Submission:

Labcorp Genetics (formerly Invitae), Labcorp
Classification: Pathogenic for Osteogenesis imperfecta type I. Last evaluated: 2025-01-20. Review status: criteria provided, single submitter. Criteria: Invitae Variant Classification Sherloc (09022015). Collection method: clinical testing. Allele origin: germline.
Comment: This sequence change replaces glycine, which is neutral and non-polar, with glutamic acid, which is acidic and polar, at codon 263 of the COL1A1 protein (p.Gly263Glu). This variant is not present in population databases (gnomAD no frequency). This missense change has been observed in individual(s) with clinical features of osteogenesis imperfecta (PMID: 27509835). ClinVar contains an entry for this variant (Variation ID: 1368256). Invitae Evidence Modeling of protein sequence and biophysical properties (such as structural, functional, and spatial information, amino acid conservation, physicochemical variation, residue mobility, and thermodynamic stability) indicates that this missense variant is expected to disrupt COL1A1 protein function with a positive predictive value of 95%. This variant disrupts the triple helix domain of COL1A1. Glycine residues within the Gly-Xaa-Yaa repeats of the triple helix domain are required for the structure and stability of fibrillar collagens (PMID: 7695699, 8218237, 19344236). In COL1A1, variants affecting these glycine residues are significantly enriched in individuals with disease (PMID: 9016532, 17078022) compared to the general population (ExAC). For these reasons, this variant has been classified as Pathogenic.

Literature cited by the submitters: PubMed 27509835; PubMed 7695699; PubMed 8218237; PubMed 19344236; PubMed 9016532; PubMed 17078022.